The following is an entry in ClinVar:

ClinVar aggregate classification (germline): Uncertain significance. Review status: criteria provided, multiple submitters, no conflicts (2 of 4 stars). 3 submissions from 3 submitters: Uncertain significance (3). Last evaluated 2025-08-11.

Conditions:
Juvenile polyposis syndrome (JPS). Identifiers: Orphanet 2929, MedGen C0345893, MONDO:0017380, OMIM 174900.
Hereditary cancer-predisposing syndrome. Also called: Tumor predisposition; Neoplastic Syndromes, Hereditary; Hereditary Cancer Syndrome; Hereditary neoplastic syndrome. Identifiers: Orphanet 140162, MedGen C0027672, MeSH D009386, MONDO:0015356.

gnomAD v4.1: 1 of 1,614,024 alleles (0.000062%); highest among the groups gnomAD compares: Non-Finnish European, 0.000085%; no homozygotes.

Submissions (3):

Labcorp Genetics (formerly Invitae), Labcorp
Classification: Uncertain significance for Juvenile polyposis syndrome. Last evaluated: 2025-08-11. Review status: criteria provided, single submitter. Criteria: Invitae Variant Classification Sherloc (09022015). Collection method: clinical testing. Allele origin: germline.
Comment: This sequence change replaces isoleucine, which is neutral and non-polar, with leucine, which is neutral and non-polar, at codon 143 of the BMPR1A protein (p.Ile143Leu). This variant is not present in population databases (gnomAD no frequency). This variant has not been reported in the literature in individuals affected with BMPR1A-related conditions. ClinVar contains an entry for this variant (Variation ID: 489696). Invitae Evidence Modeling of protein sequence and biophysical properties (such as structural, functional, and spatial information, amino acid conservation, physicochemical variation, residue mobility, and thermodynamic stability) indicates that this missense variant is not expected to disrupt BMPR1A protein function with a negative predictive value of 80%. In summary, the available evidence is currently insufficient to determine the role of this variant in disease. Therefore, it has been classified as a Variant of Uncertain Significance.

Color Diagnostics, LLC DBA Color Health
Classification: Uncertain significance for Hereditary cancer-predisposing syndrome. Last evaluated: 2023-12-05. Review status: criteria provided, single submitter. Criteria: ACMG Guidelines, 2015. Collection method: clinical testing. Allele origin: germline.
Comment: This missense variant replaces isoleucine with leucine at codon 143 of the BMPR1A protein. Computational prediction suggests that this variant may not impact protein structure and function (internally defined REVEL score threshold <= 0.5, PMID: 27666373). To our knowledge, functional studies have not been reported for this variant. This variant has not been reported in individuals affected with BMPR1A-related disorders in the literature. This variant has not been identified in the general population by the Genome Aggregation Database (gnomAD). The available evidence is insufficient to determine the role of this variant in disease conclusively. Therefore, this variant is classified as a Variant of Uncertain Significance.

Ambry Genetics
Classification: Uncertain significance for Hereditary cancer-predisposing syndrome. Last evaluated: 2021-11-08. Review status: criteria provided, single submitter. Criteria: Ambry Variant Classification Scheme 2023. Collection method: clinical testing. Allele origin: germline.
Comment: The p.I143L variant (also known as c.427A>C), located in coding exon 4 of the BMPR1A gene, results from an A to C substitution at nucleotide position 427. The isoleucine at codon 143 is replaced by leucine, an amino acid with highly similar properties. This amino acid position is well conserved in available vertebrate species. In addition, this alteration is predicted to be tolerated by in silico analysis. Since supporting evidence is limited at this time, the clinical significance of this alteration remains unclear.

NM_004329.3(BMPR1A):c.427A>C (p.Ile143Leu)

Gene: BMPR1A (bone morphogenetic protein receptor type 1A; plus strand). Cytogenetic location: 10q23.2.
Variant type: single nucleotide variant.
Coding change: c.427A>C on transcript NM_004329.3 (MANE Select); coding-DNA position 427, A replaced by C.
Protein change: p.Ile143Leu; replaces isoleucine 143 with leucine.
Molecular consequence: missense variant.
Genome position (GRCh38, 1-based): chr10:86,899,887, A>C. VCF-style: chr10-86899887-A-C. GRCh37 (hg19) VCF-style: chr10-88659644-A-C.
Other names: short protein forms I143L.
Identifiers: ClinVar variation 489696 (VCV000489696.10), dbSNP rs760739609, ClinGen allele CA377449888.